The following is an entry in ClinVar:

NM_052845.4(MMAB):c.490C>T (p.Leu164Phe)

Gene: MMAB (metabolism of cobalamin associated B; minus strand). Cytogenetic location: 12q24.11.
Variant type: single nucleotide variant.
Coding change: c.490C>T on transcript NM_052845.4 (MANE Select); coding-DNA position 490, C replaced by T.
Protein change: p.Leu164Phe; replaces leucine 164 with phenylalanine.
Molecular consequence: missense variant. On other transcripts: non-coding transcript variant (1).
Genome position (GRCh38, 1-based): chr12:109,561,449, G>A on the plus strand (C>T on the coding strand, the complement: MMAB is on the minus strand). VCF-style: chr12-109561449-G-A. GRCh37 (hg19) VCF-style: chr12-109999254-G-A.
Other names: short protein forms L164F.
Identifiers: ClinVar variation 1518449 (VCV001518449.5), dbSNP rs1393437649, ClinGen allele CA386637293.
Genomic context (GRCh38, chr12:109,561,449, plus strand): 5'-CCGCCCCCGGTTAAGCCTGCCCAGTACCTACAGGCAGGATGAAGGCCGTGAGTGGTGGGA[G>A]CTGGCTGGTGTACTTGTCGATCCACTGCTCCAGCTCCAGGATGGGCCCCGCCTTGAACGT-3'
Protein context (NP_443077.1, residues 154-174): EQWIDKYTSQ[Leu164Phe]PPLTAFILPS

ClinVar aggregate classification (germline): Uncertain significance (1 of 4 stars; one submission).

Conditions:
Methylmalonic aciduria, cblB type (MACB). Also called: Vitamin B12-responsive methylmalonic acidemia type cblB; METHYLMALONIC ACIDURIA, VITAMIN B12-RESPONSIVE, DUE TO DEFECT IN SYNTHESIS OF ADENOSYLCOBALAMIN, cblB TYPE; Methylmalonic acidemia cblB type. Identifiers: Orphanet 28, Orphanet 79311, MedGen C1855102, MONDO:0009614, OMIM 251110.

gnomAD v4.1: 13 of 1,550,846 alleles (0.00084%); highest among the groups gnomAD compares: Non-Finnish European, 0.0011%; no homozygotes.

Submission:

Labcorp Genetics (formerly Invitae), Labcorp
Classification: Uncertain significance for Methylmalonic aciduria, cblB type. Last evaluated: 2021-08-20. Review status: criteria provided, single submitter. Criteria: Invitae Variant Classification Sherloc (09022015). Collection method: clinical testing. Allele origin: germline.
Comment: This sequence change replaces leucine with phenylalanine at codon 164 of the MMAB protein (p.Leu164Phe). The leucine residue is highly conserved and there is a small physicochemical difference between leucine and phenylalanine. This variant is not present in population databases (ExAC no frequency). This variant has not been reported in the literature in individuals affected with MMAB-related conditions. Advanced modeling of protein sequence and biophysical properties (such as structural, functional, and spatial information, amino acid conservation, physicochemical variation, residue mobility, and thermodynamic stability) performed at Invitae indicates that this missense variant is expected to disrupt MMAB protein function. In summary, the available evidence is currently insufficient to determine the role of this variant in disease. Therefore, it has been classified as a Variant of Uncertain Significance.